The following is an entry in ClinVar:

NM_000059.4(BRCA2):c.3869G>T (p.Cys1290Phe)

Gene: BRCA2 (BRCA2 DNA repair associated; plus strand). Cytogenetic location: 13q13.1.
Variant type: single nucleotide variant.
Coding change: c.3869G>T on transcript NM_000059.4 (MANE Select); coding-DNA position 3869, G replaced by T.
Protein change: p.Cys1290Phe; replaces cysteine 1290 with phenylalanine.
Molecular consequence: missense variant.
Genome position (GRCh38, 1-based): chr13:32,338,224, G>T. VCF-style: chr13-32338224-G-T. GRCh37 (hg19) VCF-style: chr13-32912361-G-T.
Other names: short protein forms C1290F.
Identifiers: ClinVar variation 628454 (VCV000628454.5), dbSNP rs41293485, ClinGen allele CA387778702.

ClinVar aggregate classification (germline): Conflicting classifications of pathogenicity. Review status: criteria provided, conflicting classifications (1 of 4 stars). 2 submissions from 2 submitters: Uncertain significance (1); Likely benign (1). Last evaluated 2023-03-23.

Conditions:
Hereditary cancer-predisposing syndrome. Also called: Neoplastic Syndromes, Hereditary; Tumor predisposition; Hereditary neoplastic syndrome; Hereditary Cancer Syndrome. Identifiers: Orphanet 140162, MedGen C0027672, MeSH D009386, MONDO:0015356.

Submissions (2):

University of Washington Department of Laboratory Medicine, University of Washington
Classification: Likely benign for Hereditary cancer-predisposing syndrome. Last evaluated: 2023-03-23. Review status: criteria provided, single submitter. Criteria: Dines et al. (Genet Med. 2020). Collection method: curation. Allele origin: germline.
Comment: Missense variant in a coldspot region where missense variants are very unlikely to be pathogenic (PMID:31911673).

BRCA2 exon 11 coldspot. Reclassification based on statistical prior probability.

Color Diagnostics, LLC DBA Color Health
Classification: Uncertain significance for Hereditary cancer-predisposing syndrome. Last evaluated: 2019-05-30. Review status: criteria provided, single submitter. Criteria: ACMG Guidelines, 2015. Collection method: clinical testing. Allele origin: germline.